The following is an entry in ClinVar:

NM_002439.5(MSH3):c.322G>C (p.Glu108Gln)

Gene: MSH3 (mutS homolog 3; plus strand). Cytogenetic location: 5q14.1.
Variant type: single nucleotide variant.
Coding change: c.322G>C on transcript NM_002439.5 (MANE Select); coding-DNA position 322, G replaced by C.
Protein change: p.Glu108Gln; replaces glutamic acid 108 with glutamine.
Molecular consequence: missense variant.
Genome position (GRCh38, 1-based): chr5:80,656,495, G>C. VCF-style: chr5-80656495-G-C. GRCh37 (hg19) VCF-style: chr5-79952314-G-C.
Other names: short protein forms E108Q.
Identifiers: ClinVar variation 2833084 (VCV002833084.3), dbSNP rs2112801785, ClinGen allele CA360266432.

ClinVar aggregate classification (germline): Uncertain significance (1 of 4 stars; one submission).

Submission:

Labcorp Genetics (formerly Invitae), Labcorp
Classification: Uncertain significance. Last evaluated: 2023-01-31. Review status: criteria provided, single submitter. Criteria: Invitae Variant Classification Sherloc (09022015). Collection method: clinical testing. Allele origin: germline.
Comment: This sequence change replaces glutamic acid, which is acidic and polar, with glutamine, which is neutral and polar, at codon 108 of the MSH3 protein (p.Glu108Gln). This variant is not present in population databases (gnomAD no frequency). This variant has not been reported in the literature in individuals affected with MSH3-related conditions. Algorithms developed to predict the effect of missense changes on protein structure and function (SIFT, PolyPhen-2, Align-GVGD) all suggest that this variant is likely to be tolerated. In summary, the available evidence is currently insufficient to determine the role of this variant in disease. Therefore, it has been classified as a Variant of Uncertain Significance.